The following is an entry in ClinVar:

ClinVar aggregate classification (germline): Likely benign (1 of 4 stars; one submission).

Submission:

CeGaT Center for Human Genetics Tuebingen
Classification: Likely benign. Last evaluated: 2025-07-01. Review status: criteria provided, single submitter. Criteria: CeGaT Center For Human Genetics Tuebingen Variant Classification Criteria Version 2. Collection method: clinical testing. Allele origin: germline. Affected: yes. Observed: 1 variant allele.
Comment: GBP4: PM2:Supporting, BP4, BP7

NM_052941.5(GBP4):c.1320T>C (p.Ile440=)

Gene: GBP4 (guanylate binding protein 4; minus strand). Cytogenetic location: 1p22.2.
Variant type: single nucleotide variant.
Coding change: c.1320T>C on transcript NM_052941.5 (MANE Select); coding-DNA position 1320, T replaced by C.
Protein change: p.Ile440=; no amino-acid change (isoleucine 440 retained).
Molecular consequence: synonymous variant.
Genome position (GRCh38, 1-based): chr1:89,188,672, A>G on the plus strand (T>C on the coding strand, the complement: GBP4 is on the minus strand). VCF-style: chr1-89188672-A-G. GRCh37 (hg19) VCF-style: chr1-89654355-A-G.
Identifiers: ClinVar variation 4085097 (VCV004085097.8).